The following is an entry in ClinVar:

GRCh37/hg19 19q13.33(chr19:49535281-49540108)x3

Genes: CGB1 (chorionic gonadotropin subunit beta 1; minus strand), CGB2 (chorionic gonadotropin subunit beta 2; plus strand). Cytogenetic location: 19q13.33.
Variant type: copy number gain.
Change: copy number 3 (three copies instead of two) of chr19:49,535,281-49,540,108 (4.8 kb, GRCh37 coordinates, 1-based), cytogenetic band 19q13.33.
Identifiers: ClinVar variation 394479 (VCV000394479.3).

ClinVar aggregate classification (germline): Benign/Likely benign (0 of 4 stars; one submission).

Submission:

ISCA Site 6
Classification: Benign/Likely benign. Review status: no assertion criteria provided. Collection method: clinical testing. Allele origin: unknown. Affected: yes. Observed: 2 variant alleles.
Comment: Likely benign (1), Benign (1)

Copy number variation identified through the course of routine clinical cytogenomic testing in postnatal populations, with clinical assertions as classified by the original submitter. For data from the original published study, Kaminsky, et al. 2011 (PubMed 21844811), please see nstd101.